The following is an entry in ClinVar:

NM_144997.7(FLCN):c.1417G>A (p.Val473Ile)

Gene: FLCN (folliculin; minus strand). Cytogenetic location: 17p11.2.
Variant type: single nucleotide variant.
Coding change: c.1417G>A on transcript NM_144997.7 (MANE Select); coding-DNA position 1417, G replaced by A.
Protein change: p.Val473Ile; replaces valine 473 with isoleucine.
Molecular consequence: missense variant.
Genome position (GRCh38, 1-based): chr17:17,215,200, C>T on the plus strand (G>A on the coding strand, the complement: FLCN is on the minus strand). VCF-style: chr17-17215200-C-T. GRCh37 (hg19) VCF-style: chr17-17118514-C-T.
Other names: c.1417G>A (LRG_325t1); c.1471G>A, p.Val491Ile (NM_001353229.2); c.1417G>A, p.Val473Ile (NM_001353230.2, NM_001353231.2); short protein forms V473I, V491I.
Identifiers: ClinVar variation 642463 (VCV000642463.10), dbSNP rs1597579765, ClinGen allele CA398531126.
Genomic context (GRCh38, chr17:17,215,200, plus strand): 5'-GGGGCATCTTCTCACAAAAAGGACACTCTGCCTGGGGGCACCCACCTCGGTCTGCAGCTA[C>T]AGGGCTCCCACTGGTCACCACAAACTCGTACTTGCTGAGAGACTGGTCATCCTCACACCC-3'
Protein context (NP_659434.2, residues 463-483): YEFVVTSGSP[Val473Ile]AADRVGPTIL

ClinVar aggregate classification (germline): Uncertain significance. Review status: criteria provided, multiple submitters, no conflicts (2 of 4 stars). 3 submissions from 3 submitters: Uncertain significance (3). Last evaluated 2025-07-03.

Conditions:
FLCN-related disorder. Also called: FLCN-related condition.
Hereditary cancer-predisposing syndrome. Also called: Neoplastic Syndromes, Hereditary; Tumor predisposition; Hereditary neoplastic syndrome; Hereditary Cancer Syndrome. Identifiers: Orphanet 140162, MedGen C0027672, MeSH D009386, MONDO:0015356.
Birt-Hogg-Dube syndrome. Also called: Birt Hogg Dubé syndrome. Identifiers: Orphanet 122, MedGen C0346010, MONDO:0800444.

Allele frequency attached by ClinVar (database versions not stated): gnomAD exomes below 0.00001.
gnomAD v4.1: 7 of 1,614,182 alleles (0.00043%); highest among the groups gnomAD compares: Non-Finnish European, 0.00051%; no homozygotes.

Submissions (3):

PreventionGenetics, part of Exact Sciences
Classification: Uncertain significance for FLCN-related condition. Last evaluated: 2025-07-03. Review status: criteria provided, single submitter. Criteria: ACMG Guidelines, 2015. Collection method: clinical testing. Allele origin: germline.
Comment: The FLCN c.1417G>A variant is predicted to result in the amino acid substitution p.Val473Ile. To our knowledge, this variant has not been reported in the literature or in a large population database (gnomAD), indicating this variant is rare. At this time, the clinical significance of this variant is uncertain due to the absence of conclusive functional and genetic evidence.

Labcorp Genetics (formerly Invitae), Labcorp
Classification: Uncertain significance for Birt-Hogg-Dube syndrome. Last evaluated: 2025-04-07. Review status: criteria provided, single submitter. Criteria: Invitae Variant Classification Sherloc (09022015). Collection method: clinical testing. Allele origin: germline.
Comment: This sequence change replaces valine, which is neutral and non-polar, with isoleucine, which is neutral and non-polar, at codon 473 of the FLCN protein (p.Val473Ile). This variant is not present in population databases (gnomAD no frequency). This variant has not been reported in the literature in individuals affected with FLCN-related conditions. ClinVar contains an entry for this variant (Variation ID: 642463). Invitae Evidence Modeling of protein sequence and biophysical properties (such as structural, functional, and spatial information, amino acid conservation, physicochemical variation, residue mobility, and thermodynamic stability) indicates that this missense variant is not expected to disrupt FLCN protein function with a negative predictive value of 80%. In summary, the available evidence is currently insufficient to determine the role of this variant in disease. Therefore, it has been classified as a Variant of Uncertain Significance.

Ambry Genetics
Classification: Uncertain significance for Hereditary cancer-predisposing syndrome. Last evaluated: 2024-03-25. Review status: criteria provided, single submitter. Criteria: Ambry Variant Classification Scheme 2023. Collection method: clinical testing. Allele origin: germline.
Comment: The p.V473I variant (also known as c.1417G>A), located in coding exon 9 of the FLCN gene, results from a G to A substitution at nucleotide position 1417. The valine at codon 473 is replaced by isoleucine, an amino acid with highly similar properties. This amino acid position is highly conserved in available vertebrate species. In addition, this alteration is predicted to be tolerated by in silico analysis. Since supporting evidence is limited at this time, the clinical significance of this alteration remains unclear.